The following is an entry in ClinVar:

ClinVar aggregate classification (germline): Uncertain significance. Review status: criteria provided, multiple submitters, no conflicts (2 of 4 stars). 2 submissions from 2 submitters: Uncertain significance (2). Last evaluated 2026-04-04.

Conditions:
Pulmonary fibrosis and/or bone marrow failure, Telomere-related, 3. Also called: PULMONARY FIBROSIS AND/OR BONE MARROW FAILURE SYNDROME, TELOMERE-RELATED, 3. Identifiers: Orphanet 2032, MedGen C4225346, MONDO:0014613, OMIM 616373.
Dyskeratosis congenita, autosomal recessive 5 (DKCB5). Identifiers: MedGen C3554656, MONDO:0014076, OMIM 615190.
Inborn genetic diseases. Identifiers: MedGen C0950123, MeSH D030342.

Submissions (2):

Ambry Genetics
Classification: Uncertain significance for Inborn genetic diseases. Last evaluated: 2026-04-04. Review status: criteria provided, single submitter. Criteria: Ambry Variant Classification Scheme 2023. Collection method: clinical testing. Allele origin: germline.
Comment: The p.Q962K variant (also known as c.2884C>A), located in coding exon 29 of the RTEL1 gene, results from a C to A substitution at nucleotide position 2884. The glutamine at codon 962 is replaced by lysine, an amino acid with similar properties. This amino acid position is conserved. In addition, this alteration is predicted to be tolerated by in silico analysis. Based on the available evidence, the clinical significance of this variant remains unclear.

Labcorp Genetics (formerly Invitae), Labcorp
Classification: Uncertain significance for Dyskeratosis congenita, autosomal recessive 5; Pulmonary fibrosis and/or bone marrow failure, Telomere-related, 3. Last evaluated: 2023-12-30. Review status: criteria provided, single submitter. Criteria: Invitae Variant Classification Sherloc (09022015). Collection method: clinical testing. Allele origin: germline.
Comment: This sequence change replaces glutamine, which is neutral and polar, with lysine, which is basic and polar, at codon 962 of the RTEL1 protein (p.Gln962Lys). This variant is not present in population databases (gnomAD no frequency). This variant has not been reported in the literature in individuals affected with RTEL1-related conditions. Algorithms developed to predict the effect of missense changes on protein structure and function output the following: SIFT: "Not Available"; PolyPhen-2: "Benign"; Align-GVGD: "Not Available". The lysine amino acid residue is found in multiple mammalian species, which suggests that this missense change does not adversely affect protein function. In summary, the available evidence is currently insufficient to determine the role of this variant in disease. Therefore, it has been classified as a Variant of Uncertain Significance.

NM_001283009.2(RTEL1):c.2884C>A (p.Gln962Lys)

Genes: RTEL1 (regulator of telomere elongation helicase 1; plus strand), RTEL1-TNFRSF6B (RTEL1-TNFRSF6B readthrough (NMD candidate); plus strand). Cytogenetic location: 20q13.33.
Variant type: single nucleotide variant.
Coding change: c.2884C>A on transcript NM_001283009.2 (MANE Select); coding-DNA position 2884, C replaced by A.
Protein change: p.Gln962Lys; replaces glutamine 962 with lysine.
Molecular consequence: missense variant. On other transcripts: non-coding transcript variant (1).
Genome position (GRCh38, 1-based): chr20:63,693,175, C>A. VCF-style: chr20-63693175-C-A. GRCh37 (hg19) VCF-style: chr20-62324528-C-A.
Other names: c.2215C>A, p.Gln739Lys (NM_001283010.1); c.2884C>A, p.Gln962Lys (NM_016434.4); c.2956C>A, p.Gln986Lys (NM_032957.5); short protein forms Q739K, Q986K, Q962K.
Identifiers: ClinVar variation 2930909 (VCV002930909.4), dbSNP rs2517169572, ClinGen allele CA409683235.
Genomic context (GRCh38, chr20:63,693,175, plus strand): 5'-ATGGGGACAGACGCCCCTTCCTCTACAGGCTTCTACCAGTTTGTGCGGCCCCACCATAAG[C>A]AGCAGTTTGAGGAGGTCTGTATCCAGCTGACAGGACGAGGCTGTGGCTATCGGCCTGAGC-3'
Protein context (NP_001269938.1, residues 952-972): FYQFVRPHHK[Gln962Lys]QFEEVCIQLT